The following is an entry in ClinVar:

NM_152328.5(ADSS1):c.1054A>G (p.Met352Val)

Gene: ADSS1 (adenylosuccinate synthase 1; plus strand). Cytogenetic location: 14q32.33.
Variant type: single nucleotide variant.
Coding change: c.1054A>G on transcript NM_152328.5 (MANE Select); coding-DNA position 1054, A replaced by G.
Protein change: p.Met352Val; replaces methionine 352 with valine.
Molecular consequence: missense variant.
Genome position (GRCh38, 1-based): chr14:104,743,172, A>G. VCF-style: chr14-104743172-A-G. GRCh37 (hg19) VCF-style: chr14-105209509-A-G.
Other names: c.439A>G, p.Met147Val (NM_001320424.1); c.1183A>G, p.Met395Val (NM_199165.2); short protein forms M147V, M352V, M395V.
Identifiers: ClinVar variation 1681998 (VCV001681998.5), dbSNP rs759674422, ClinGen allele CA7373988.

ClinVar aggregate classification (germline): Uncertain significance (1 of 4 stars; one submission).

Allele frequency attached by ClinVar (database versions not stated): gnomAD 0.00001; TOPMed 0.00002; ExAC 0.00003; gnomAD exomes 0.00003 and 0.00004.
gnomAD v4.1: 39 of 1,611,618 alleles (0.0024%); highest among the groups gnomAD compares: Admixed American, 0.0067%; no homozygotes.

Submission:

Labcorp Genetics (formerly Invitae), Labcorp
Classification: Uncertain significance. Last evaluated: 2022-07-05. Review status: criteria provided, single submitter. Criteria: Invitae Variant Classification Sherloc (09022015). Collection method: clinical testing. Allele origin: germline.
Comment: This sequence change replaces methionine, which is neutral and non-polar, with valine, which is neutral and non-polar, at codon 395 of the ADSSL1 protein (p.Met395Val). This variant is present in population databases (rs759674422, gnomAD 0.01%). This variant has not been reported in the literature in individuals affected with ADSSL1-related conditions. ClinVar contains an entry for this variant (Variation ID: 1681998). Algorithms developed to predict the effect of missense changes on protein structure and function are either unavailable or do not agree on the potential impact of this missense change (SIFT: "Not Available"; PolyPhen-2: "Benign"; Align-GVGD: "Not Available"). In summary, the available evidence is currently insufficient to determine the role of this variant in disease. Therefore, it has been classified as a Variant of Uncertain Significance.